The following is an entry in ClinVar:

NM_012472.6(DNAAF11):c.940_941insGGCCGGTCGCGGTGGCTCACGCCTGTAATCACAGCACTTTGGGAGGCCGAGGCGGGCGGATCACGAGGTCNNNNNNNNNNAAAAAAAAAAAAAAAAAAAAGAAAGATAACG (p.Asn313_Glu314insGlyProValAlaValAlaHisAlaCysAsnHisSerThrLeuGlyGlyArgGlyGlyArgIleThrArgSerXaaXaaXaaLysLysLysLysLysLysLysLysAspAsn)

Gene: DNAAF11 (dynein axonemal assembly factor 11; minus strand). Cytogenetic location: 8q24.22.
Variant type: Insertion.
Coding change: c.940_941insGGCCGGTCGCGGTGGCTCACGCCTGTAATCACAGCACTTTGGGAGGCCGAGGCGGGCGGATCACGAGGTCNNNNNNNNNNAAAAAAAAAAAAAAAAAAAAGAAAGATAACG on transcript NM_012472.6 (MANE Select); coding-DNA positions 940 to 941, GGCCGGTCGCGGTGGCTCACGCCTGTAATCACAGCACTTTGGGAGGCCGAGGCGGGCGGATCACGAGGTCNNNNNNNNNNAAAAAAAAAAAAAAAAAAAAGAAAGATAACG inserted.
Protein change: p.Asn313_Glu314insGlyProValAlaValAlaHisAlaCysAsnHisSerThrLeuGlyGlyArgGlyGlyArgIleThrArgSerXaaXaaXaaLysLysLysLysLysLysLysLysAspAsn.
Molecular consequence: inframe insertion. On other transcripts: non-coding transcript variant (9), intron variant (2).
Genome position: GRCh38: chr8:132,615,082-132,615,083. GRCh37 (hg19): chr8:133,627,328-133,627,329.
Other names: c.694_695insGGCCGGTCGCGGTGGCTCACGCCTGTAATCACAGCACTTTGGGAGGCCGAGGCGGGCGGATCACGAGGTCNNNNNNNNNNAAAAAAAAAAAAAAAAAAAAGAAAGATAACG, p.Asn231_Glu232insGlyProValAlaValAlaHisAlaCysAsnHisSerThrLeuGlyGlyArgGlyGlyArgIleThrArgSerXaaXaaXaaLysLysLysLysLysLysLysLysAspAsn (NM_001321962.2); c.580_581insGGCCGGTCGCGGTGGCTCACGCCTGTAATCACAGCACTTTGGGAGGCCGAGGCGGGCGGATCACGAGGTCNNNNNNNNNNAAAAAAAAAAAAAAAAAAAAGAAAGATAACG, p.Asn193_Glu194insGlyProValAlaValAlaHisAlaCysAsnHisSerThrLeuGlyGlyArgGlyGlyArgIleThrArgSerXaaXaaXaaLysLysLysLysLysLysLysLysAspAsn (NM_001321963.2, NM_001321964.2, NM_001321965.2); c.915-3709_915-3708insGAAAGATAACGGGCCGGTCGCGGTGGCTCACGCCTGTAATCACAGCACTTTGGGAGGCCGAGGCGGGCGGATCACGAGGTCNNNNNNNNNNAAAAAAAAAAAAAAAAAAAA (NM_001321961.2); c.555-3709_555-3708insGAAAGATAACGGGCCGGTCGCGGTGGCTCACGCCTGTAATCACAGCACTTTGGGAGGCCGAGGCGGGCGGATCACGAGGTCNNNNNNNNNNAAAAAAAAAAAAAAAAAAAA (NM_001321966.2).
Identifiers: ClinVar variation 4713190 (VCV004713190.1).

ClinVar aggregate classification (germline): Pathogenic (1 of 4 stars; one submission).

Conditions:
Primary ciliary dyskinesia 19. Also called: CILIARY DYSKINESIA, PRIMARY, 19, WITH OR WITHOUT SITUS INVERSUS. Identifiers: Orphanet 244, MedGen C3543826, MONDO:0013979, OMIM 614935.

Submission:

Labcorp Genetics (formerly Invitae), Labcorp
Classification: Pathogenic for Primary ciliary dyskinesia 19. Last evaluated: 2025-07-30. Review status: criteria provided, single submitter. Criteria: Invitae Variant Classification Sherloc (09022015). Collection method: clinical testing. Allele origin: germline.
Comment: This sequence change inserts a large fragment of DNA, likely a transposable element, in exon 8 of the LRRC6 gene (c.940_941ins?), causing a frameshift at codon 314 (p.Glu314fs). The exact size and sequence of the insertion cannot be determined by the current assay. However, the insertion is expected to result in an absent or disrupted protein product. This variant is not present in population databases (gnomAD no frequency). This variant has not been reported in the literature in individuals affected with LRRC6-related conditions. Retrotransposon insertions including LINE1 (L1), Alu, and SVA (SINE-VNTR-Alu) have been reported to be disease-causing through disruption of either a coding region or splice site (PMID: 19763152, 20307669, 22406018) and loss-of-function variants in LRRC6 are known to be pathogenic (PMID: 23122589). For these reasons, this variant has been classified as Pathogenic.

Literature cited by the submitters: PubMed 19763152; PubMed 20307669; PubMed 22406018; PubMed 23122589.